The following is an entry in ClinVar:

NM_033360.4(KRAS):c.450+13G>A

Gene: KRAS (KRAS proto-oncogene, GTPase; minus strand). Cytogenetic location: 12p12.1.
Variant type: single nucleotide variant.
Coding change: c.450+13G>A on transcript NM_033360.4 (MANE Plus Clinical); 13 bases into the intron after coding-DNA position 450, G replaced by A.
Molecular consequence: intron variant.
Genome position (GRCh38, 1-based): chr12:25,225,601, C>T on the plus strand (G>A on the coding strand, the complement: KRAS is on the minus strand). VCF-style: chr12-25225601-C-T. GRCh37 (hg19) VCF-style: chr12-25378535-C-T.
Other names: c.450+13G>A (LRG_344t1, LRG_344t2, NM_001369787.1 and 2 more transcripts).
Identifiers: ClinVar variation 391031 (VCV000391031.1), dbSNP rs1057523949, ClinGen allele CA16607225.

ClinVar aggregate classification (germline): Likely benign (1 of 4 stars; one submission).

Allele frequency attached by ClinVar (database versions not stated): gnomAD exomes below 0.00001; TOPMed below 0.00001; gnomAD 0.00001.
gnomAD v4.1: 2 of 1,611,464 alleles (0.00012%); highest among the groups gnomAD compares: Non-Finnish European, 0.00017%; no homozygotes.

Submission:

GeneDx
Classification: Likely benign. Last evaluated: 2016-11-11. Review status: criteria provided, single submitter. Criteria: GeneDx Variant Classification (06012015). Collection method: clinical testing. Allele origin: germline. Affected: yes.
Comment: This variant is considered likely benign or benign based on one or more of the following criteria: it is a conservative change, it occurs at a poorly conserved position in the protein, it is predicted to be benign by multiple in silico algorithms, and/or has population frequency not consistent with disease.